The following is an entry in ClinVar:

NM_003072.5(SMARCA4):c.4876G>A (p.Val1626Met)

Gene: SMARCA4 (SWI/SNF related BAF chromatin remodeling complex subunit ATPase 4; plus strand). Cytogenetic location: 19p13.2.
Variant type: single nucleotide variant.
Coding change: c.4876G>A on transcript NM_003072.5 (MANE Select); coding-DNA position 4876, G replaced by A.
Protein change: p.Val1626Met; replaces valine 1626 with methionine.
Molecular consequence: missense variant. On other transcripts: non-coding transcript variant (1).
Genome position (GRCh38, 1-based): chr19:11,060,152, G>A. VCF-style: chr19-11060152-G-A. GRCh37 (hg19) VCF-style: chr19-11170828-G-A.
Other names: c.4876G>A, p.Val1626Met (NM_001128844.3); c.4786G>A, p.Val1596Met (NM_001128845.2); c.4783G>A, p.Val1595Met (NM_001128846.2); c.4777G>A, p.Val1593Met (NM_001128847.4, NM_001374457.1); c.4774G>A, p.Val1592Met (NM_001128848.2); c.4972G>A, p.Val1658Met (NM_001128849.3, NM_001387283.1); short protein forms V1658M, V1596M, V1592M, V1595M, V1593M, V1626M.
Identifiers: ClinVar variation 408703 (VCV000408703.25), dbSNP rs757412819, ClinGen allele CA9204892.

ClinVar aggregate classification (germline): Uncertain significance. Review status: criteria provided, multiple submitters, no conflicts (2 of 4 stars). 11 submissions from 11 submitters: Uncertain significance (10). 1 of the submissions does not count toward it. Last evaluated 2026-01-04.

Conditions:
SMARCA4-related disorder. Also called: SMARCA4-related condition.
Hereditary cancer-predisposing syndrome. Also called: Neoplastic Syndromes, Hereditary; Tumor predisposition; Hereditary Cancer Syndrome; Hereditary neoplastic syndrome. Identifiers: Orphanet 140162, MedGen C0027672, MeSH D009386, MONDO:0015356.
Rhabdoid tumor predisposition syndrome 2 (RTPS2). Identifiers: Orphanet 231108, Orphanet 69077, MedGen C2750074, MONDO:0013224, OMIM 613325.
Intellectual disability, autosomal dominant 16 (CSS4). Also called: COFFIN-SIRIS SYNDROME 4. Identifiers: Orphanet 1465, MedGen C3553249, MONDO:0013821, OMIM 614609.

Allele frequency attached by ClinVar (database versions not stated): gnomAD 0.00001; gnomAD exomes 0.00001; TOPMed 0.00004; ExAC 0.00005.
gnomAD v4.1: 30 of 1,551,098 alleles (0.0019%); highest among the groups gnomAD compares: Non-Finnish European, 0.0025%; no homozygotes.

Submissions (11):

Labcorp Genetics (formerly Invitae), Labcorp
Classification: Uncertain significance for Rhabdoid tumor predisposition syndrome 2. Last evaluated: 2026-01-04. Review status: criteria provided, single submitter. Criteria: Invitae Variant Classification Sherloc (09022015). Collection method: clinical testing. Allele origin: germline.
Comment: This sequence change replaces valine, which is neutral and non-polar, with methionine, which is neutral and non-polar, at codon 1658 of the SMARCA4 protein (p.Val1658Met). This variant is present in population databases (rs757412819, gnomAD 0.004%). This variant has not been reported in the literature in individuals affected with SMARCA4-related conditions. ClinVar contains an entry for this variant (Variation ID: 408703). Invitae Evidence Modeling of protein sequence and biophysical properties (such as structural, functional, and spatial information, amino acid conservation, physicochemical variation, residue mobility, and thermodynamic stability) has been performed for this missense variant. However, the output from this modeling did not meet the statistical confidence thresholds required to predict the impact of this variant on SMARCA4 protein function. In summary, the available evidence is currently insufficient to determine the role of this variant in disease. Therefore, it has been classified as a Variant of Uncertain Significance.

Ambry Genetics
Classification: Uncertain significance for Hereditary cancer-predisposing syndrome. Last evaluated: 2025-07-15. Review status: criteria provided, single submitter. Criteria: Ambry Variant Classification Scheme 2023. Collection method: clinical testing. Allele origin: germline.

Blueprint Genetics
Classification: Uncertain significance. Last evaluated: 2024-11-08. Review status: criteria provided, single submitter. Criteria: ACMG Guidelines, 2015. Collection method: clinical testing. Allele origin: germline.

Quest Diagnostics Nichols Institute San Juan Capistrano
Classification: Uncertain significance. Last evaluated: 2023-12-29. Review status: criteria provided, single submitter. Criteria: Quest Diagnostics criteria. Collection method: clinical testing. Allele origin: unknown.
Comment: The SMARCA4 c.4972G>A (p.Val1658Met) variant has not been reported in individuals with SMARCA4-related conditions in the published literature. The frequency of this variant in the general population, 0.000013 (2/155448 chromosomes (Genome Aggregation Database)), is uninformative in the assessment of its pathogenicity. Analysis of this variant using bioinformatics tools for the prediction of the effect of amino acid changes on protein structure and function yielded predictions that this variant is benign. Based on the available information, we are unable to determine the clinical significance of this variant.

GeneDx
Classification: Uncertain significance. Last evaluated: 2023-08-03. Review status: criteria provided, single submitter. Criteria: GeneDx Variant Classification Process June 2021. Collection method: clinical testing. Allele origin: germline. Affected: yes.
Comment: In silico analysis supports that this missense variant does not alter protein structure/function; Has not been previously published as pathogenic or benign to our knowledge

Baylor Genetics
Classification: Uncertain significance for Rhabdoid tumor predisposition syndrome 2. Last evaluated: 2023-07-11. Review status: criteria provided, single submitter. Criteria: ACMG Guidelines, 2015. Collection method: clinical testing. Allele origin: unknown.

Sema4
Classification: Uncertain significance for Hereditary cancer-predisposing syndrome. Last evaluated: 2021-12-17. Review status: criteria provided, single submitter. Criteria: Sema4 Curation Guidelines. Collection method: curation. Allele origin: germline.
Comment: The SMARCA4 c.4972G>A (p.V1658M) variant has not been reported in the literature to our knowledge. It was observed in 1/22782 chromosomes in the South Asian subpopulation in the large and broad cohorts of the Genome Aggregation Database (PMID: 32461654). This variant has been reported in ClinVar (Variation ID: 408703). Functional studies have not been performed, and in silico predictions of the variant's effect on protein function are inconclusive. The evidence is insufficient to meet ACMG/AMP criteria for classifying the variant as benign or pathogenic. Thus, the clinical significance of this variant is currently uncertain.

Genome-Nilou Lab
Classification: Uncertain significance for Intellectual disability, autosomal dominant 16. Last evaluated: 2021-07-15. Review status: criteria provided, single submitter. Criteria: ACMG Guidelines, 2015. Collection method: clinical testing. Allele origin: germline. Affected: no.

New York Genome Center
Classification: Uncertain significance for Intellectual disability, autosomal dominant 16. Last evaluated: 2021-04-16. Review status: criteria provided, single submitter. Criteria: NYGC Assertion Criteria 2020. Collection method: clinical testing. Allele origin: inherited. Observed: 1 heterozygote. Study: CSER-NYCKidSeq.

Fulgent Genetics
Classification: Uncertain significance for Rhabdoid tumor predisposition syndrome 2; Intellectual disability, autosomal dominant 16. Last evaluated: 2018-10-31. Review status: criteria provided, single submitter. Criteria: ACMG Guidelines, 2015. Collection method: clinical testing. Allele origin: unknown.

PreventionGenetics, part of Exact Sciences
Classification: Uncertain significance for SMARCA4-related condition. Last evaluated: 2024-06-16. Review status: no assertion criteria provided. Collection method: clinical testing. Allele origin: germline. Not counted in ClinVar's aggregate classification.
Comment: The SMARCA4 c.4972G>A variant is predicted to result in the amino acid substitution p.Val1658Met. To our knowledge, this variant has not been reported in the literature. This variant is reported in 0.0044% of alleles in individuals of South Asian descent in gnomAD and has been interpreted as likely benign and uncertain. At this time, the clinical significance of this variant is uncertain due to the absence of conclusive functional and genetic evidence.